The following is an entry in ClinVar:

NM_000051.4(ATM):c.4777-20A>G

Gene: ATM (ATM serine/threonine kinase; plus strand). Cytogenetic location: 11q22.3.
Variant type: single nucleotide variant.
Coding change: c.4777-20A>G on transcript NM_000051.4 (MANE Select); 20 bases into the intron before coding-DNA position 4777, A replaced by G.
Molecular consequence: intron variant.
Genome position (GRCh38, 1-based): chr11:108,294,907, A>G. VCF-style: chr11-108294907-A-G. GRCh37 (hg19) VCF-style: chr11-108165634-A-G.
Other names: c.4777-20A>G (NM_001351834.2).
Identifiers: ClinVar variation 142141 (VCV000142141.32), dbSNP rs3218678, ClinGen allele CA167512.

ClinVar aggregate classification (germline): Benign. Review status: criteria provided, multiple submitters, no conflicts (2 of 4 stars). 17 submissions from 17 submitters: Benign (12). 5 of the submissions do not count toward it. Last evaluated 2026-02-04.

Conditions:
Hereditary cancer-predisposing syndrome. Also called: Neoplastic Syndromes, Hereditary; Hereditary Cancer Syndrome; Hereditary neoplastic syndrome; Tumor predisposition. Identifiers: Orphanet 140162, MedGen C0027672, MeSH D009386, MONDO:0015356.
Hereditary breast ovarian cancer syndrome. Also called: Hereditary breast and ovarian cancer syndrome; Hereditary breast and/or ovarian cancer syndrome; BRCA1- and BRCA2-Associated Hereditary Breast and Ovarian Cancer; Hereditary breast and ovarian cancer; Breast and ovarian cancer; Hereditary breast and ovarian cancer syndrome (HBOC). Identifiers: Orphanet 145, MedGen C0677776, MeSH D061325, MONDO:0003582. Disease mechanism: loss of function.
Familial cancer of breast. Also called: Hereditary breast cancer; hereditary breast carcinoma; BREAST CANCER, FAMILIAL. Identifiers: Orphanet 227535, MedGen C0346153, MONDO:0016419, OMIM 114480. Disease mechanism: loss of function.
Ataxia-telangiectasia syndrome (AT). Also called: Cerebello-oculocutaneous telangiectasia; Immunodeficiency with ataxia telangiectasia; Ataxia-telangiectasia, complementation group D; AT, COMPLEMENTATION GROUP C; ATAXIA-TELANGIECTASIA, FRESNO VARIANT; ATAXIA-TELANGIECTASIA, COMPLEMENTATION GROUP A. Identifiers: Orphanet 100, MedGen C0004135, MONDO:0008840, OMIM 208900.

Allele frequency attached by ClinVar (database versions not stated): gnomAD exomes 0.00621 and 0.01605; ExAC 0.01891; gnomAD 0.05797 and 0.06221; 1000 Genomes Project 0.06230; TOPMed 0.06487; ESP Exome Variant Server 0.06516; 1000 Genomes Project 30x 0.06590.
gnomAD v4.1: 18,357 of 1,613,092 alleles (1.1%); highest among the groups gnomAD compares: African/African-American, 20%; 1,545 homozygotes.

Submissions (17):

Labcorp Genetics (formerly Invitae), Labcorp
Classification: Benign for Ataxia-telangiectasia syndrome. Last evaluated: 2026-02-04. Review status: criteria provided, single submitter. Criteria: Invitae Variant Classification Sherloc (09022015). Collection method: clinical testing. Allele origin: germline.

GeneKor MSA
Classification: Benign for Hereditary cancer-predisposing syndrome. Last evaluated: 2025-07-10. Review status: criteria provided, single submitter. Criteria: ACMG Guidelines, 2015. Collection method: clinical testing. Allele origin: germline.

Center for Genomic Medicine, Rigshospitalet, Copenhagen University Hospital
Classification: Benign. Last evaluated: 2025-03-04. Review status: criteria provided, single submitter. Criteria: ACMG Guidelines, 2015. Collection method: clinical testing. Allele origin: germline.

ARUP Laboratories, Molecular Genetics and Genomics, ARUP Laboratories
Classification: Benign. Last evaluated: 2024-12-20. Review status: criteria provided, single submitter. Criteria: ARUP Molecular Germline Variant Investigation Process 2024. Collection method: clinical testing. Allele origin: germline.

Myriad Genetics, Inc.
Classification: Benign for Familial cancer of breast. Last evaluated: 2024-05-21. Review status: criteria provided, single submitter. Criteria: Myriad Autosomal Dominant, Autosomal Recessive and X-Linked Classification Criteria (2023). Collection method: clinical testing. Allele origin: unknown.
Comment: This variant is considered benign. This variant is intronic and is not expected to impact mRNA splicing. This variant has been observed at a population frequency that is significantly greater than expected given the associated disease prevalence and penetrance.

KCCC/NGS Laboratory, Kuwait Cancer Control Center
Classification: Benign for Familial cancer of breast. Last evaluated: 2023-07-07. Review status: criteria provided, single submitter. Criteria: ACMG Guidelines, 2015. Collection method: clinical testing. Allele origin: germline. Affected: yes.

National Health Laboratory Service, Universitas Academic Hospital and University of the Free State
Classification: Benign for Hereditary breast ovarian cancer syndrome. Last evaluated: 2022-04-19. Review status: criteria provided, single submitter. Criteria: ACMG Guidelines, 2015. Collection method: clinical testing. Allele origin: germline. Affected: yes. Observed: 112 variant alleles.

Color Diagnostics, LLC DBA Color Health
Classification: Benign for Hereditary cancer-predisposing syndrome. Last evaluated: 2015-04-01. Review status: criteria provided, single submitter. Criteria: ACMG Guidelines, 2015. Collection method: clinical testing. Allele origin: germline.

GeneDx
Classification: Benign. Last evaluated: 2015-03-03. Review status: criteria provided, single submitter. Criteria: GeneDx Variant Classification Process June 2021. Collection method: clinical testing. Allele origin: germline. Affected: yes.

Ambry Genetics
Classification: Benign for Hereditary cancer-predisposing syndrome. Last evaluated: 2012-07-09. Review status: criteria provided, single submitter. Criteria: Ambry Autosomal Dominant and X-Linked criteria (10/2015). Collection method: clinical testing. Allele origin: germline. Observed: 1 variant allele.

Breakthrough Genomics
Classification: Benign. Review status: criteria provided, single submitter. Criteria: ACMG Guidelines, 2015. Collection method: not provided. Allele origin: germline. Inheritance: Autosomal recessive inheritance. Affected: yes.

PreventionGenetics, part of Exact Sciences
Classification: Benign. Review status: criteria provided, single submitter. Criteria: ACMG Guidelines, 2015. Collection method: clinical testing. Allele origin: germline.

Counsyl
Classification: Benign for Ataxia-telangiectasia syndrome. Last evaluated: 2018-01-19. Review status: no assertion criteria provided. Collection method: clinical testing. Allele origin: unknown. Not counted in ClinVar's aggregate classification.

Clinical Genetics Laboratory, Department of Pathology, Netherlands Cancer Institute
Classification: Benign. Review status: no assertion criteria provided. Collection method: clinical testing. Allele origin: germline. Affected: yes. Study: VKGL Data-share Consensus. Not counted in ClinVar's aggregate classification.

Clinical Genetics, Academic Medical Center
Classification: Benign. Review status: no assertion criteria provided. Collection method: clinical testing. Allele origin: germline. Affected: yes. Study: VKGL Data-share Consensus. Not counted in ClinVar's aggregate classification.

Joint Genome Diagnostic Labs from Nijmegen and Maastricht, Radboudumc and MUMC+
Classification: Benign. Review status: no assertion criteria provided. Collection method: clinical testing. Allele origin: germline. Affected: yes. Study: VKGL Data-share Consensus. Not counted in ClinVar's aggregate classification.

Laboratory of Diagnostic Genome Analysis, Leiden University Medical Center (LUMC)
Classification: Benign. Review status: no assertion criteria provided. Collection method: clinical testing. Allele origin: germline. Affected: yes. Study: VKGL Data-share Consensus. Not counted in ClinVar's aggregate classification.

Literature cited by the submitters: PubMed 9887333 (cited by Counsyl).